The following is an entry in ClinVar:

NM_018249.6(CDK5RAP2):c.3149-266A>G

Gene: CDK5RAP2 (CDK5 regulatory subunit associated protein 2; minus strand). Cytogenetic location: 9q33.2.
Variant type: single nucleotide variant.
Coding change: c.3149-266A>G on transcript NM_018249.6 (MANE Select); 266 bases into the intron before coding-DNA position 3149, A replaced by G.
Molecular consequence: intron variant.
Genome position (GRCh38, 1-based): chr9:120,440,238, T>C on the plus strand (A>G on the coding strand, the complement: CDK5RAP2 is on the minus strand). VCF-style: chr9-120440238-T-C. GRCh37 (hg19) VCF-style: chr9-123202516-T-C.
Other names: c.2459-266A>G (NM_001272039.2); c.3149-266A>G (NM_001011649.3).
Identifiers: ClinVar variation 668863 (VCV000668863.2), dbSNP rs4837770, ClinGen allele CA199325332.

ClinVar aggregate classification (germline): Benign. Review status: criteria provided, multiple submitters, no conflicts (2 of 4 stars). 2 submissions from 2 submitters: Benign (2). Last evaluated 2018-06-16.

Allele frequency attached by ClinVar (database versions not stated): gnomAD exomes 0.96509; gnomAD 0.96787 and 0.96882; TOPMed 0.97003; 1000 Genomes Project 30x 0.98485; 1000 Genomes Project 0.98502.
gnomAD v4.1: 488,335 of 505,344 alleles (97%); highest among the groups gnomAD compares: East Asian, 100%; 236,071 homozygotes.

Submissions (2):

GeneDx
Classification: Benign. Last evaluated: 2018-06-16. Review status: criteria provided, single submitter. Criteria: GeneDx Variant Classification (06012015). Collection method: clinical testing. Allele origin: germline. Affected: yes.
Comment: This variant is considered likely benign or benign based on one or more of the following criteria: it is a conservative change, it occurs at a poorly conserved position in the protein, it is predicted to be benign by multiple in silico algorithms, and/or has population frequency not consistent with disease.

Breakthrough Genomics
Classification: Benign. Review status: criteria provided, single submitter. Criteria: ACMG Guidelines, 2015. Collection method: not provided. Allele origin: germline. Inheritance: Autosomal recessive inheritance. Affected: yes.